The following is an entry in ClinVar:

ClinVar aggregate classification (germline): Uncertain significance. Review status: criteria provided, multiple submitters, no conflicts (2 of 4 stars). 3 submissions from 3 submitters: Uncertain significance (3). Last evaluated 2026-01-07.

Conditions:
Familial thoracic aortic aneurysm and aortic dissection (TAAD). Also called: Thoracic aortic aneurysms and dissections. Identifiers: Orphanet 91387, MedGen C4707243, MONDO:0019625.
Hereditary cancer-predisposing syndrome. Also called: Tumor predisposition; Neoplastic Syndromes, Hereditary; Hereditary neoplastic syndrome; Hereditary Cancer Syndrome. Identifiers: Orphanet 140162, MedGen C0027672, MeSH D009386, MONDO:0015356.
Juvenile polyposis syndrome (JPS). Identifiers: Orphanet 2929, MedGen C0345893, MONDO:0017380, OMIM 174900.
Juvenile polyposis/hereditary hemorrhagic telangiectasia syndrome (JPHT). Also called: Juvenile Polyposis Syndrome / Hereditary Hemorrhagic Telangiectasia (JPS/HHT); JP/HHT SYNDROME; JUVENILE POLYPOSIS WITH HEREDITARY HEMORRHAGIC TELANGIECTASIA; POLYPOSIS, GENERALIZED JUVENILE, WITH PULMONARY ARTERIOVENOUS MALFORMATION; TELANGIECTASIA, HEREDITARY HEMORRHAGIC, WITH JUVENILE POLYPOSIS COLI. Identifiers: Orphanet 2929, MedGen C1832942, MONDO:0008278, OMIM 175050.

Allele frequency attached by ClinVar (database versions not stated): gnomAD 0.00001; TOPMed 0.00001.
gnomAD v4.1: 1 of 1,613,840 alleles (0.000062%); highest among the groups gnomAD compares: African/African-American, 0.0013%; no homozygotes.

Submissions (3):

Labcorp Genetics (formerly Invitae), Labcorp
Classification: Uncertain significance for Juvenile polyposis syndrome. Last evaluated: 2026-01-07. Review status: criteria provided, single submitter. Criteria: Invitae Variant Classification Sherloc (09022015). Collection method: clinical testing. Allele origin: germline.
Comment: This sequence change replaces histidine, which is basic and polar, with arginine, which is basic and polar, at codon 164 of the SMAD4 protein (p.His164Arg). This variant is present in population databases (no rsID available, gnomAD 0.01%). This variant has not been reported in the literature in individuals affected with SMAD4-related conditions. ClinVar contains an entry for this variant (Variation ID: 232898). Invitae Evidence Modeling of protein sequence and biophysical properties (such as structural, functional, and spatial information, amino acid conservation, physicochemical variation, residue mobility, and thermodynamic stability) has been performed for this missense variant. However, the output from this modeling did not meet the statistical confidence thresholds required to predict the impact of this variant on SMAD4 protein function. In summary, the available evidence is currently insufficient to determine the role of this variant in disease. Therefore, it has been classified as a Variant of Uncertain Significance.

Ambry Genetics
Classification: Uncertain significance for Hereditary cancer-predisposing syndrome; Familial thoracic aortic aneurysm and aortic dissection. Last evaluated: 2025-10-15. Review status: criteria provided, single submitter. Criteria: Ambry Variant Classification Scheme 2023. Collection method: clinical testing. Allele origin: germline.
Comment: The p.H164R variant (also known as c.491A>G), located in coding exon 4 of the SMAD4 gene, results from an A to G substitution at nucleotide position 491. The histidine at codon 164 is replaced by arginine, an amino acid with highly similar properties. This amino acid position is well conserved in available vertebrate species. In addition, the in silico prediction for this alteration is inconclusive. Based on the available evidence, the clinical significance of this variant remains unclear.

Baylor Genetics
Classification: Uncertain significance for Juvenile polyposis/hereditary hemorrhagic telangiectasia syndrome. Last evaluated: 2023-10-17. Review status: criteria provided, single submitter. Criteria: ACMG Guidelines, 2015. Collection method: clinical testing. Allele origin: unknown.

NM_005359.6(SMAD4):c.491A>G (p.His164Arg)

Gene: SMAD4 (SMAD family member 4; plus strand). Cytogenetic location: 18q21.2.
Variant type: single nucleotide variant.
Coding change: c.491A>G on transcript NM_005359.6 (MANE Select); coding-DNA position 491, A replaced by G.
Protein change: p.His164Arg; replaces histidine 164 with arginine.
Molecular consequence: missense variant.
Genome position (GRCh38, 1-based): chr18:51,054,817, A>G. VCF-style: chr18-51054817-A-G. GRCh37 (hg19) VCF-style: chr18-48581187-A-G.
Other names: short protein forms H164R.
Identifiers: ClinVar variation 232898 (VCV000232898.17), dbSNP rs876660058, ClinGen allele CA10580976.